The following is an entry in ClinVar:

NM_053025.4(MYLK):c.2690T>C (p.Phe897Ser)

Gene: MYLK (myosin light chain kinase; minus strand). Cytogenetic location: 3q21.1.
Variant type: single nucleotide variant.
Coding change: c.2690T>C on transcript NM_053025.4 (MANE Select); coding-DNA position 2690, T replaced by C.
Protein change: p.Phe897Ser; replaces phenylalanine 897 with serine.
Molecular consequence: missense variant.
Genome position (GRCh38, 1-based): chr3:123,700,778, A>G on the plus strand (T>C on the coding strand, the complement: MYLK is on the minus strand). VCF-style: chr3-123700778-A-G. GRCh37 (hg19) VCF-style: chr3-123419625-A-G.
Other names: c.2162T>C, p.Phe721Ser (NM_001321309.2); c.2483T>C, p.Phe828Ser (NM_053026.4, NM_053028.4); c.2690T>C, p.Phe897Ser (NM_053027.4); short protein forms F897S, F828S, F721S.
Identifiers: ClinVar variation 1794801 (VCV001794801.5), dbSNP rs1189140530, ClinGen allele CA354231900.
Genomic context (GRCh38, chr3:123,700,778, plus strand): 5'-TCCTTCAGGTCGTCTTCCGATAGGGTCTTTGTACTCACCTTCTTCCCCAGGAGGTCTCGG[A>G]AGTCCAGCTGCTCCACCTCCTGCTGGCGGATCGCCTCCTCAGTGTGCTGCCTCGTCTCCA-3'
Protein context (NP_444253.3, residues 887-907): IRQQEVEQLD[Phe897Ser]RDLLGKKVST

ClinVar aggregate classification (germline): Uncertain significance. Review status: criteria provided, multiple submitters, no conflicts (2 of 4 stars). 2 submissions from 2 submitters: Uncertain significance (2). Last evaluated 2025-01-27.

Conditions:
Familial thoracic aortic aneurysm and aortic dissection (TAAD). Also called: Thoracic aortic aneurysms and dissections. Identifiers: Orphanet 91387, MedGen C4707243, MONDO:0019625.
Aortic aneurysm, familial thoracic 7 (AAT7). Also called: AORTIC DISSECTION, FAMILIAL, WITH OR WITHOUT AORTIC ANEURYSM. Identifiers: MedGen C3151077, MONDO:0013418, OMIM 613780.

Allele frequency attached by ClinVar (database versions not stated): gnomAD exomes below 0.00001; TOPMed below 0.00001; gnomAD 0.00001.
gnomAD v4.1: 4 of 1,614,076 alleles (0.00025%); highest among the groups gnomAD compares: Non-Finnish European, 0.00034%; no homozygotes.

Submissions (2):

Labcorp Genetics (formerly Invitae), Labcorp
Classification: Uncertain significance for Aortic aneurysm, familial thoracic 7. Last evaluated: 2025-01-27. Review status: criteria provided, single submitter. Criteria: Invitae Variant Classification Sherloc (09022015). Collection method: clinical testing. Allele origin: germline.
Comment: This sequence change replaces phenylalanine, which is neutral and non-polar, with serine, which is neutral and polar, at codon 897 of the MYLK protein (p.Phe897Ser). This variant is not present in population databases (gnomAD no frequency). This variant has not been reported in the literature in individuals affected with MYLK-related conditions. ClinVar contains an entry for this variant (Variation ID: 1794801). Invitae Evidence Modeling of protein sequence and biophysical properties (such as structural, functional, and spatial information, amino acid conservation, physicochemical variation, residue mobility, and thermodynamic stability) indicates that this missense variant is not expected to disrupt MYLK protein function with a negative predictive value of 80%. In summary, the available evidence is currently insufficient to determine the role of this variant in disease. Therefore, it has been classified as a Variant of Uncertain Significance.

Ambry Genetics
Classification: Uncertain significance for Familial thoracic aortic aneurysm and aortic dissection. Last evaluated: 2018-01-04. Review status: criteria provided, single submitter. Criteria: Ambry Variant Classification Scheme 2023. Collection method: clinical testing. Allele origin: germline.
Comment: The p.F897S variant (also known as c.2690T>C), located in coding exon 15 of the MYLK gene, results from a T to C substitution at nucleotide position 2690. The phenylalanine at codon 897 is replaced by serine, an amino acid with highly dissimilar properties. This amino acid position is highly conserved in available vertebrate species. In addition, the in silico prediction for this alteration is inconclusive. Since supporting evidence is limited at this time, the clinical significance of this alteration remains unclear.